The following is an entry in ClinVar:

ClinVar aggregate classification (germline): Uncertain significance. Review status: criteria provided, multiple submitters, no conflicts (2 of 4 stars). 3 submissions from 3 submitters: Uncertain significance (3). Last evaluated 2023-04-11.

Conditions:
Maple syrup urine disease (MSUD). Identifiers: Orphanet 511, MedGen C0024776, MeSH D008375, MONDO:0009563. Disease mechanism: loss of function.
Inborn genetic diseases. Identifiers: MedGen C0950123, MeSH D030342.

Allele frequency attached by ClinVar (database versions not stated): ExAC 0.00001; gnomAD exomes 0.00002 and 0.00007; gnomAD 0.00005; TOPMed 0.00005; ESP Exome Variant Server 0.00015.
gnomAD v4.1: 112 of 1,612,246 alleles (0.0069%); highest among the groups gnomAD compares: Non-Finnish European, 0.0092%; no homozygotes.

Submissions (3):

Genome-Nilou Lab
Classification: Uncertain significance for Maple syrup urine disease type 1A. Last evaluated: 2023-04-11. Review status: criteria provided, single submitter. Criteria: ACMG Guidelines, 2015. Collection method: clinical testing. Allele origin: germline. Affected: no.

Ambry Genetics
Classification: Uncertain significance for Inborn genetic diseases. Last evaluated: 2022-10-03. Review status: criteria provided, single submitter. Criteria: Ambry Variant Classification Scheme 2023. Collection method: clinical testing. Allele origin: germline.

Labcorp Genetics (formerly Invitae), Labcorp
Classification: Uncertain significance for Maple syrup urine disease. Last evaluated: 2021-08-27. Review status: criteria provided, single submitter. Criteria: Invitae Variant Classification Sherloc (09022015). Collection method: clinical testing. Allele origin: germline.
Comment: This sequence change replaces valine with glycine at codon 191 of the DBT protein (p.Val191Gly). The valine residue is highly conserved and there is a moderate physicochemical difference between valine and glycine. This variant is present in population databases (rs146894954, ExAC 0.001%). This variant has not been reported in the literature in individuals affected with DBT-related conditions. Algorithms developed to predict the effect of missense changes on protein structure and function are either unavailable or do not agree on the potential impact of this missense change (SIFT: "Deleterious"; PolyPhen-2: "Probably Damaging"; Align-GVGD: "Class C0"). Algorithms developed to predict the effect of sequence changes on RNA splicing suggest that this variant may create or strengthen a splice site. In summary, the available evidence is currently insufficient to determine the role of this variant in disease. Therefore, it has been classified as a Variant of Uncertain Significance.

NM_001918.5(DBT):c.572T>G (p.Val191Gly)

Gene: DBT (dihydrolipoamide branched chain transacylase E2; minus strand). Cytogenetic location: 1p21.2.
Variant type: single nucleotide variant.
Coding change: c.572T>G on transcript NM_001918.5 (MANE Select); coding-DNA position 572, T replaced by G.
Protein change: p.Val191Gly; replaces valine 191 with glycine.
Molecular consequence: missense variant.
Genome position (GRCh38, 1-based): chr1:100,216,183, A>C on the plus strand (T>G on the coding strand, the complement: DBT is on the minus strand). VCF-style: chr1-100216183-A-C. GRCh37 (hg19) VCF-style: chr1-100681739-A-C.
Other names: c.572T>G (NM_001918.2); short protein forms V191G.
Identifiers: ClinVar variation 966854 (VCV000966854.4), dbSNP rs146894954, ClinGen allele CA969699.